The following is an entry in ClinVar:

ClinVar aggregate classification (germline): Benign (1 of 4 stars; one submission).

Allele frequency attached by ClinVar (database versions not stated): 1000 Genomes Project 30x 0.40943; TOPMed 0.42422; 1000 Genomes Project 0.40455.
gnomAD v4.1: 62,299 of 152,010 alleles (41%); highest among the groups gnomAD compares: African/African-American, 58%; 13,785 homozygotes.

Submission:

GeneDx
Classification: Benign. Last evaluated: 2018-06-14. Review status: criteria provided, single submitter. Criteria: GeneDx Variant Classification (06012015). Collection method: clinical testing. Allele origin: germline. Affected: yes.
Comment: This variant is considered likely benign or benign based on one or more of the following criteria: it is a conservative change, it occurs at a poorly conserved position in the protein, it is predicted to be benign by multiple in silico algorithms, and/or has population frequency not consistent with disease.

NM_024996.7(GFM1):c.1519-211T>C

Gene: GFM1 (G elongation factor mitochondrial 1; plus strand). Cytogenetic location: 3q25.32.
Variant type: single nucleotide variant.
Coding change: c.1519-211T>C on transcript NM_024996.7 (MANE Select); 211 bases into the intron before coding-DNA position 1519, T replaced by C.
Molecular consequence: intron variant.
Genome position (GRCh38, 1-based): chr3:158,666,093, T>C. VCF-style: chr3-158666093-T-C. GRCh37 (hg19) VCF-style: chr3-158383882-T-C.
Other names: c.1576-211T>C (NM_001308164.2); c.1294-211T>C (NM_001374357.1); c.1438-211T>C (NM_001374355.1); c.1402-211T>C (NM_001374356.1); c.952-211T>C (NM_001374359.1, NM_001374360.1); c.835-211T>C (NM_001374361.1); c.1060-211T>C (NM_001374358.1); c.1519-211T>C (NM_001308166.2).
Identifiers: ClinVar variation 669753 (VCV000669753.1), dbSNP rs2115940, ClinGen allele CA15243851.